The following is an entry in ClinVar:

NM_003718.5(CDK13):c.473T>C (p.Leu158Pro)

Genes: CDK13 (cyclin dependent kinase 13; plus strand), LOC129998292 (ATAC-STARR-seq lymphoblastoid silent region 18115; plus strand). Cytogenetic location: 7p14.1.
Variant type: single nucleotide variant.
Coding change: c.473T>C on transcript NM_003718.5 (MANE Select); coding-DNA position 473, T replaced by C.
Protein change: p.Leu158Pro; replaces leucine 158 with proline.
Molecular consequence: missense variant.
Genome position (GRCh38, 1-based): chr7:39,951,114, T>C. VCF-style: chr7-39951114-T-C. GRCh37 (hg19) VCF-style: chr7-39990713-T-C.
Other names: c.473T>C, p.Leu158Pro (NM_031267.4); short protein forms L158P.
Identifiers: ClinVar variation 3036917 (VCV003036917.2), dbSNP rs1192363832, ClinGen allele CA367309822.

ClinVar aggregate classification (germline): Uncertain significance (0 of 4 stars; one submission).

Conditions:
CDK13-related disorder. Also called: CDK13-related condition. Identifiers: MedGen C5816700.

Allele frequency attached by ClinVar (database versions not stated): TOPMed below 0.00001; gnomAD 0.00001; gnomAD exomes below 0.00001.
gnomAD v4.1: 2 of 1,245,264 alleles (0.00016%); highest among the groups gnomAD compares: Non-Finnish European, 0.0002%; no homozygotes.

Submission:

PreventionGenetics, part of Exact Sciences
Classification: Uncertain significance for CDK13-related condition. Last evaluated: 2024-02-28. Review status: no assertion criteria provided. Collection method: clinical testing. Allele origin: germline.
Comment: The CDK13 c.473T>C variant is predicted to result in the amino acid substitution p.Leu158Pro. To our knowledge, this variant has not been reported in the literature. This variant is reported in 0.0065% of alleles in individuals of European (Non-Finnish) descent in gnomAD. At this time, the clinical significance of this variant is uncertain due to the absence of conclusive functional and genetic evidence.